The following is an entry in ClinVar:

ClinVar aggregate classification (germline): Uncertain significance (1 of 4 stars; one submission).

Conditions:
Nicolaides-Baraitser syndrome (NCBRS). Also called: Intellectual disability-sparse hair-brachydactyly syndrome; SMARCA2-Related Nicolaides-Baraitser Syndrome. Identifiers: Orphanet 3051, MedGen C1303073, MONDO:0011053, OMIM 601358.

Submission:

3billion
Classification: Uncertain significance for Nicolaides-Baraitser syndrome. Last evaluated: 2023-02-23. Review status: criteria provided, single submitter. Criteria: ACMG Guidelines, 2015. Collection method: clinical testing. Allele origin: unknown. Affected: yes.
Comment: The variant is not observed in the gnomAD v2.1.1 dataset. Missense changes are a common disease-causing mechanism. In silico tool predictions suggest damaging effect of the variant on gene or gene product (REVEL: 0.85). Therefore, this variant is classified as VUS according to the recommendation of ACMG/AMP guideline.

NM_003070.5(SMARCA2):c.3026T>C (p.Ile1009Thr)

Gene: SMARCA2 (SWI/SNF related BAF chromatin remodeling complex subunit ATPase 2; plus strand). Cytogenetic location: 9p24.3.
Variant type: single nucleotide variant.
Coding change: c.3026T>C on transcript NM_003070.5 (MANE Select); coding-DNA position 3026, T replaced by C.
Protein change: p.Ile1009Thr; replaces isoleucine 1009 with threonine.
Molecular consequence: missense variant.
Genome position (GRCh38, 1-based): chr9:2,097,419, T>C. VCF-style: chr9-2097419-T-C. GRCh37 (hg19) VCF-style: chr9-2097419-T-C.
Other names: c.3026T>C, p.Ile1009Thr (NM_001289396.2, NM_139045.4); c.2852T>C, p.Ile951Thr (NM_001289397.2); short protein forms I1009T, I951T.
Identifiers: ClinVar variation 2444239 (VCV002444239.1), dbSNP rs2537365219, ClinGen allele CA372786185.